The following is an entry in ClinVar:

ClinVar aggregate classification (germline): Uncertain significance (1 of 4 stars; one submission).

Conditions:
Landau-Kleffner syndrome (FESD). Also called: EPILEPSY, FOCAL, WITH SPEECH DISORDER AND WITH OR WITHOUT MENTAL RETARDATION; APHASIA, ACQUIRED, WITH EPILEPSY. Identifiers: Orphanet 1945, Orphanet 725, Orphanet 98818, MedGen C0282512, MONDO:0009509, OMIM 245570.

Allele frequency attached by ClinVar (database versions not stated): gnomAD exomes below 0.00001.
gnomAD v4.1: 1 of 1,613,554 alleles (0.000062%); highest among the groups gnomAD compares: Admixed American, 0.0017%; no homozygotes.

Submission:

Labcorp Genetics (formerly Invitae), Labcorp
Classification: Uncertain significance for Landau-Kleffner syndrome. Last evaluated: 2023-10-07. Review status: criteria provided, single submitter. Criteria: Invitae Variant Classification Sherloc (09022015). Collection method: clinical testing. Allele origin: germline.
Comment: This sequence change replaces tyrosine, which is neutral and polar, with histidine, which is basic and polar, at codon 478 of the GRIN2A protein (p.Tyr478His). This variant is present in population databases (no rsID available, gnomAD 0.003%). This variant has not been reported in the literature in individuals affected with GRIN2A-related conditions. This missense change has been observed in at least one individual who was not affected with GRIN2A-related conditions (Invitae). ClinVar contains an entry for this variant (Variation ID: 2088464). Advanced modeling of protein sequence and biophysical properties (such as structural, functional, and spatial information, amino acid conservation, physicochemical variation, residue mobility, and thermodynamic stability) performed at Invitae indicates that this missense variant is expected to disrupt GRIN2A protein function. In summary, the available evidence is currently insufficient to determine the role of this variant in disease. Therefore, it has been classified as a Variant of Uncertain Significance.

NM_001134407.3(GRIN2A):c.1432T>C (p.Tyr478His)

Gene: GRIN2A (glutamate ionotropic receptor NMDA type subunit 2A; minus strand). Cytogenetic location: 16p13.2.
Variant type: single nucleotide variant.
Coding change: c.1432T>C on transcript NM_001134407.3 (MANE Select); coding-DNA position 1432, T replaced by C.
Protein change: p.Tyr478His; replaces tyrosine 478 with histidine.
Molecular consequence: missense variant.
Genome position (GRCh38, 1-based): chr16:9,841,001, A>G on the plus strand (T>C on the coding strand, the complement: GRIN2A is on the minus strand). VCF-style: chr16-9841001-A-G. GRCh37 (hg19) VCF-style: chr16-9934858-A-G.
Other names: c.1432T>C, p.Tyr478His (NM_000833.5, NM_001134408.2); short protein forms Y478H.
Identifiers: ClinVar variation 2088464 (VCV002088464.4), dbSNP rs1421390977, ClinGen allele CA394800665.